The following is an entry in ClinVar:

ClinVar aggregate classification (germline): Uncertain significance (1 of 4 stars; one submission).

gnomAD v4.1: 7 of 1,543,230 alleles (0.00045%); highest among the groups gnomAD compares: Admixed American, 0.002%; no homozygotes.

Submission:

Labcorp Genetics (formerly Invitae), Labcorp
Classification: Uncertain significance. Last evaluated: 2025-11-17. Review status: criteria provided, single submitter. Criteria: Invitae Variant Classification Sherloc (09022015). Collection method: clinical testing. Allele origin: germline.
Comment: This sequence change replaces proline, which is neutral and non-polar, with serine, which is neutral and polar, at codon 967 of the CPLANE1 protein (p.Pro967Ser). This variant is not present in population databases (gnomAD no frequency). This missense change has been observed in individual(s) with clinical features of Joubert syndrome (internal data). In at least one individual the data is consistent with being in trans (on the opposite chromosome) from a pathogenic variant. Invitae Evidence Modeling of protein sequence and biophysical properties (such as structural, functional, and spatial information, amino acid conservation, physicochemical variation, residue mobility, and thermodynamic stability) has been performed for this missense variant. However, the output from this modeling did not meet the statistical confidence thresholds required to predict the impact of this variant on CPLANE1 protein function. In summary, the available evidence is currently insufficient to determine the role of this variant in disease. Therefore, it has been classified as a Variant of Uncertain Significance.

NM_001384732.1(CPLANE1):c.2899C>T (p.Pro967Ser)

Gene: CPLANE1 (ciliogenesis and planar polarity effector complex subunit 1; minus strand). Cytogenetic location: 5p13.2.
Variant type: single nucleotide variant.
Coding change: c.2899C>T on transcript NM_001384732.1 (MANE Select); coding-DNA position 2899, C replaced by T.
Protein change: p.Pro967Ser; replaces proline 967 with serine.
Molecular consequence: missense variant.
Genome position (GRCh38, 1-based): chr5:37,213,580, G>A on the plus strand (C>T on the coding strand, the complement: CPLANE1 is on the minus strand). VCF-style: chr5-37213580-G-A. GRCh37 (hg19) VCF-style: chr5-37213682-G-A.
Other names: c.2899C>T, p.Pro967Ser (NM_023073.4); short protein forms P967S.
Identifiers: ClinVar variation 4738915 (VCV004738915.1).